The following is an entry in ClinVar:

NC_000007.13:g.(?_141255267)_(141301100_?)del

Gene: AGK (acylglycerol kinase; plus strand). Cytogenetic location: 7q34.
Variant type: Deletion.
Identifiers: ClinVar variation 1456624 (VCV001456624.4).

ClinVar aggregate classification (germline): Pathogenic (1 of 4 stars; one submission).

Conditions:
Sengers syndrome. Also called: MITOCHONDRIAL DNA DEPLETION SYNDROME 10 (CARDIOMYOPATHIC TYPE); Cardiomyopathy and cataract. Identifiers: Orphanet 1369, MedGen C1859317, MONDO:0008922, OMIM 212350.
Cataract 38. Also called: Cataract, autosomal recessive congenital 5; Cataract 38, autosomal recessive. Identifiers: Orphanet 91492, MedGen C3553494, MONDO:0013859, OMIM 614691.

Submission:

Labcorp Genetics (formerly Invitae), Labcorp
Classification: Pathogenic for Sengers syndrome; Cataract 38. Last evaluated: 2022-11-19. Review status: criteria provided, single submitter. Criteria: Invitae Variant Classification Sherloc (09022015). Collection method: clinical testing. Allele origin: germline.
Comment: For these reasons, this variant has been classified as Pathogenic. This variant has not been reported in the literature in individuals affected with AGK-related conditions. This variant is a gross deletion of the genomic region encompassing exon(s) 2-5 of the AGK gene, which includes the initiator codon. This deletion extends beyond the assayed region for this gene and therefore may encompass additional genes. It is expected to result in an absent or disrupted protein product. Loss-of-function variants in AGK are known to be pathogenic (PMID: 22284826).

Literature cited by the submitters: PubMed 22284826.